The following is an entry in ClinVar:

NM_015896.4(ZMYND10):c.1028G>A (p.Arg343Gln)

Gene: ZMYND10 (zinc finger MYND-type containing 10; minus strand). Cytogenetic location: 3p21.31.
Variant type: single nucleotide variant.
Coding change: c.1028G>A on transcript NM_015896.4 (MANE Select); coding-DNA position 1028, G replaced by A.
Protein change: p.Arg343Gln; replaces arginine 343 with glutamine.
Molecular consequence: missense variant.
Genome position (GRCh38, 1-based): chr3:50,341,903, C>T on the plus strand (G>A on the coding strand, the complement: ZMYND10 is on the minus strand). VCF-style: chr3-50341903-C-T. GRCh37 (hg19) VCF-style: chr3-50379334-C-T.
Other names: c.1013G>A, p.Arg338Gln (NM_001308379.2); short protein forms R343Q, R338Q.
Identifiers: ClinVar variation 2722461 (VCV002722461.3), dbSNP rs755967305, ClinGen allele CA2417014.

ClinVar aggregate classification (germline): Uncertain significance (1 of 4 stars; one submission).

Conditions:
Primary ciliary dyskinesia. Also called: Ciliary dyskinesia. Identifiers: Orphanet 244, MedGen C0008780, MONDO:0016575, HP:0012265.

Allele frequency attached by ClinVar (database versions not stated): ExAC 0.00006.

Submission:

Labcorp Genetics (formerly Invitae), Labcorp
Classification: Uncertain significance for Primary ciliary dyskinesia. Last evaluated: 2023-12-09. Review status: criteria provided, single submitter. Criteria: Invitae Variant Classification Sherloc (09022015). Collection method: clinical testing. Allele origin: germline.
Comment: This sequence change replaces arginine, which is basic and polar, with glutamine, which is neutral and polar, at codon 343 of the ZMYND10 protein (p.Arg343Gln). This variant is present in population databases (rs755967305, gnomAD 0.03%). This variant has not been reported in the literature in individuals affected with ZMYND10-related conditions. Advanced modeling of protein sequence and biophysical properties (such as structural, functional, and spatial information, amino acid conservation, physicochemical variation, residue mobility, and thermodynamic stability) performed at Invitae indicates that this missense variant is not expected to disrupt ZMYND10 protein function with a negative predictive value of 80%. In summary, the available evidence is currently insufficient to determine the role of this variant in disease. Therefore, it has been classified as a Variant of Uncertain Significance.